The following is an entry in ClinVar:

NM_006420.3(ARFGEF2):c.*1756G>A

Gene: ARFGEF2 (ARF guanine nucleotide exchange factor 2; plus strand). Cytogenetic location: 20q13.13.
Variant type: single nucleotide variant.
Coding change: c.*1756G>A on transcript NM_006420.3 (MANE Select); 1756 bases downstream of the stop codon, G replaced by A.
Molecular consequence: 3 prime UTR variant.
Genome position (GRCh38, 1-based): chr20:49,034,955, G>A. VCF-style: chr20-49034955-G-A. GRCh37 (hg19) VCF-style: chr20-47651492-G-A.
Identifiers: ClinVar variation 338726 (VCV000338726.6), dbSNP rs6019602, ClinGen allele CA10652618.

ClinVar aggregate classification (germline): Benign. Review status: criteria provided, multiple submitters, no conflicts (2 of 4 stars). 2 submissions from 2 submitters: Benign (2). Last evaluated 2018-01-13.

Conditions:
Periventricular heterotopia with microcephaly, autosomal recessive (ARPHM). Also called: PERIVENTRICULAR NODULAR HETEROTOPIA 2; Periventricular heterotopia with microcephaly. Identifiers: Orphanet 2149, MedGen C1842563, MONDO:0011966, OMIM 608097.

Allele frequency attached by ClinVar (database versions not stated): 1000 Genomes Project 0.34625; 1000 Genomes Project 30x 0.34916; gnomAD 0.36142 and 0.36859; TOPMed 0.36197.

Submissions (2):

Illumina Laboratory Services, Illumina
Classification: Benign for Periventricular heterotopia with microcephaly, autosomal recessive. Last evaluated: 2018-01-13. Review status: criteria provided, single submitter. Criteria: ICSL Variant Classification Criteria 13 December 2019. Collection method: clinical testing. Allele origin: germline.
Comment: This variant was observed in the ICSL laboratory as part of a predisposition screen in an ostensibly healthy population. It had not been previously curated by ICSL or reported in the Human Gene Mutation Database (HGMD: prior to June 1st, 2018), and was therefore a candidate for classification through an automated scoring system. Utilizing variant allele frequency, disease prevalence and penetrance estimates, and inheritance mode, an automated score was calculated to assess if this variant is too frequent to cause the disease. Based on the score and internal cut-off values, a variant classified as benign is not then subjected to further curation. The score for this variant resulted in a classification of benign for this disease.

Breakthrough Genomics
Classification: Benign. Review status: criteria provided, single submitter. Criteria: ACMG Guidelines, 2015. Collection method: not provided. Allele origin: germline. Inheritance: Autosomal recessive inheritance. Affected: yes.